The following is an entry in ClinVar:

NM_001166114.2(PNPLA6):c.452G>A (p.Arg151Gln)

Gene: PNPLA6 (patatin like domain 6, lysophospholipase; plus strand). Cytogenetic location: 19p13.2.
Variant type: single nucleotide variant.
Coding change: c.452G>A on transcript NM_001166114.2 (MANE Select); coding-DNA position 452, G replaced by A.
Protein change: p.Arg151Gln; replaces arginine 151 with glutamine.
Molecular consequence: missense variant.
Genome position (GRCh38, 1-based): chr19:7,539,956, G>A. VCF-style: chr19-7539956-G-A. GRCh37 (hg19) VCF-style: chr19-7604842-G-A.
Other names: p.Arg151Gln; c.479G>A, p.Arg160Gln (NM_001166111.2); c.335G>A, p.Arg112Gln (NM_001166112.2, NM_001166113.1, NM_006702.5); short protein forms R112Q, R160Q, R151Q.
Identifiers: ClinVar variation 330515 (VCV000330515.7), dbSNP rs376396266, ClinGen allele CA9139470.

ClinVar aggregate classification (germline): Uncertain significance. Review status: criteria provided, multiple submitters, no conflicts (2 of 4 stars). 2 submissions from 2 submitters: Uncertain significance (2). Last evaluated 2024-10-29.

Conditions:
Ataxia-hypogonadism-choroidal dystrophy syndrome (BNHS). Also called: Chorioretinal dystrophy, spinocerebellar ataxia and hypogonadotropic hypogonadism; Boucher-Neuhäuser Syndrome (BNS). Identifiers: Orphanet 1180, MedGen C1859093, MONDO:0008980, OMIM 215470.
Hereditary spastic paraplegia 39 (SPG39). Also called: SPASTIC PARAPLEGIA 39, AUTOSOMAL RECESSIVE; Spastic Paraplegia Type 39 (SPG39). Identifiers: Orphanet 139480, MedGen C2677586, MONDO:0012787, OMIM 612020.

Allele frequency attached by ClinVar (database versions not stated): gnomAD exomes below 0.00001 and 0.00001; gnomAD 0.00001; TOPMed 0.00002; ExAC 0.00004; ESP Exome Variant Server 0.00008.
gnomAD v4.1: 4 of 1,570,074 alleles (0.00025%); highest among the groups gnomAD compares: African/African-American, 0.0027%; no homozygotes.

Submissions (2):

Foundation for Research in Genetics and Endocrinology, FRIGE's Institute of Human Genetics
Classification: Uncertain significance for Ataxia-hypogonadism-choroidal dystrophy syndrome. Last evaluated: 2024-10-29. Review status: criteria provided, single submitter. Criteria: ACMG Guidelines, 2015. Collection method: clinical testing. Allele origin: germline. Inheritance: Autosomal recessive inheritance. Affected: yes. Observed: 1 homozygote.
Comment: A homozygous variant in exon 4 of the PNPLA6 gene that results in the amino acid substitution of Glutamine for Arginine at codon 151 was detected. The observed variant c.452G>A (p.Arg151GLn) has not been reported in 1000 genomes and has MAF of 0.0019% and 0.0003% in Topmed and gnomAD (Aggregated) databases, respectively. The insilico prediction of the varaint is damaging by DANN and CADD. In summary, the variant meets our criteria to be classified as variant of uncertain significance.

Illumina Laboratory Services, Illumina
Classification: Uncertain significance for Hereditary spastic paraplegia 39. Last evaluated: 2018-01-13. Review status: criteria provided, single submitter. Criteria: ICSL Variant Classification Criteria 13 December 2019. Collection method: clinical testing. Allele origin: germline.